The following is an entry in ClinVar:

ClinVar aggregate classification (germline): Uncertain significance. Review status: criteria provided, multiple submitters, no conflicts (2 of 4 stars). 2 submissions from 2 submitters: Uncertain significance (2). Last evaluated 2025-08-30.

Conditions:
Cardiovascular phenotype. Identifiers: MedGen CN230736.
Dilated cardiomyopathy 1KK (CMD1KK). Identifiers: Orphanet 154, Orphanet 75249, MedGen C3714995, MONDO:0014100, OMIM 615248.

Allele frequency attached by ClinVar (database versions not stated): TOPMed below 0.00001; gnomAD 0.00001; gnomAD exomes 0.00001; ExAC 0.00003.
gnomAD v4.1: 10 of 1,598,946 alleles (0.00063%); highest among the groups gnomAD compares: South Asian, 0.0077%; no homozygotes.

Submissions (2):

Ambry Genetics
Classification: Uncertain significance for Cardiovascular phenotype. Last evaluated: 2025-08-30. Review status: criteria provided, single submitter. Criteria: Ambry Variant Classification Scheme 2023. Collection method: clinical testing. Allele origin: germline.
Comment: The p.P479T variant (also known as c.1435C>A), located in coding exon 6 of the MYPN gene, results from a C to A substitution at nucleotide position 1435. The proline at codon 479 is replaced by threonine, an amino acid with highly similar properties. This amino acid position is conserved. In addition, the in silico prediction for this alteration is inconclusive. Based on the available evidence, the clinical significance of this variant remains unclear.

Labcorp Genetics (formerly Invitae), Labcorp
Classification: Uncertain significance for Dilated cardiomyopathy 1KK. Last evaluated: 2022-04-18. Review status: criteria provided, single submitter. Criteria: Invitae Variant Classification Sherloc (09022015). Collection method: clinical testing. Allele origin: germline.
Comment: In summary, the available evidence is currently insufficient to determine the role of this variant in disease. Therefore, it has been classified as a Variant of Uncertain Significance. Algorithms developed to predict the effect of missense changes on protein structure and function are either unavailable or do not agree on the potential impact of this missense change (SIFT: "Deleterious"; PolyPhen-2: "Probably Damaging"; Align-GVGD: "Class C0"). This variant has not been reported in the literature in individuals affected with MYPN-related conditions. This variant is present in population databases (rs748541017, gnomAD 0.01%). This sequence change replaces proline, which is neutral and non-polar, with threonine, which is neutral and polar, at codon 479 of the MYPN protein (p.Pro479Thr).

NM_032578.4(MYPN):c.1435C>A (p.Pro479Thr)

Gene: MYPN (myopalladin; plus strand). Cytogenetic location: 10q21.3.
Variant type: single nucleotide variant.
Coding change: c.1435C>A on transcript NM_032578.4 (MANE Select); coding-DNA position 1435, C replaced by A.
Protein change: p.Pro479Thr; replaces proline 479 with threonine.
Molecular consequence: missense variant. On other transcripts: non-coding transcript variant (2).
Genome position (GRCh38, 1-based): chr10:68,158,603, C>A. VCF-style: chr10-68158603-C-A. GRCh37 (hg19) VCF-style: chr10-69918360-C-A.
Other names: c.1435C>A (NM_032578.2); c.1435C>A, p.Pro479Thr (NM_001256267.2); c.553C>A, p.Pro185Thr (NM_001256268.2); short protein forms P479T, P185T.
Identifiers: ClinVar variation 1933520 (VCV001933520.6), dbSNP rs748541017, ClinGen allele CA5522538.
Genomic context (GRCh38, chr10:68,158,603, plus strand): 5'-AAAGGAGCTCCATCTCCTAAGGTTGAGTGGTATAGAGAAGGGACTTTAATAGAAGATTCT[C>A]CAGATTTTAGGATTTTACAGAAAAGTAAGTTAATACTTTAAATTATTTTCTGATATTTTG-3'
Protein context (NP_115967.2, residues 469-489): YREGTLIEDS[Pro479Thr]DFRILQKKPR